The following is an entry in ClinVar:

ClinVar aggregate classification (germline): Uncertain significance. Review status: criteria provided, multiple submitters, no conflicts (2 of 4 stars). 2 submissions from 2 submitters: Uncertain significance (2). Last evaluated 2025-12-10.

Conditions:
Fanconi anemia (FA). Also called: Fanconi's anemia. Identifiers: Orphanet 84, MedGen C0015625, MeSH D005199, MONDO:0019391.

Allele frequency attached by ClinVar (database versions not stated): ExAC 0.00001; gnomAD 0.00001; gnomAD exomes 0.00001; TOPMed 0.00001; ESP Exome Variant Server 0.00008.
gnomAD v4.1: 9 of 1,613,398 alleles (0.00056%); highest among the groups gnomAD compares: Non-Finnish European, 0.00076%; no homozygotes.

Submissions (2):

Labcorp Genetics (formerly Invitae), Labcorp
Classification: Uncertain significance for Fanconi anemia. Last evaluated: 2025-12-10. Review status: criteria provided, single submitter. Criteria: Invitae Variant Classification Sherloc (09022015). Collection method: clinical testing. Allele origin: germline.
Comment: This sequence change replaces arginine, which is basic and polar, with cysteine, which is neutral and slightly polar, at codon 579 of the FANCM protein (p.Arg579Cys). This variant is present in population databases (rs149698772, gnomAD 0.005%). This variant has not been reported in the literature in individuals affected with FANCM-related conditions. ClinVar contains an entry for this variant (Variation ID: 1042689). An algorithm developed to predict the effect of missense changes on protein structure and function (PolyPhen-2) suggests that this variant is likely to be disruptive. In summary, the available evidence is currently insufficient to determine the role of this variant in disease. Therefore, it has been classified as a Variant of Uncertain Significance.

Quest Diagnostics Nichols Institute San Juan Capistrano
Classification: Uncertain significance. Last evaluated: 2025-10-06. Review status: criteria provided, single submitter. Criteria: Quest Diagnostics criteria. Collection method: clinical testing. Allele origin: unknown.
Comment: The FANCM c.1735C>T (p.Arg579Cys) variant has been reported in the published literature in individuals with breast cancer (PMID: 36707629 (2023), 33471991 (2021), see also LOVD). This variant has also been identified in reportedly unaffected individuals (PMID: 36707629 (2023), 33471991 (2021), see also LOVD). The frequency of this variant in the general population (Genome Aggregation Database) is uninformative in the assessment of its pathogenicity. Analysis of this variant using bioinformatics tools for the prediction of the effect of amino acid changes on protein structure and function yielded predictions that this variant is damaging. Based on the available information, we are unable to determine the clinical significance of this variant.

Literature cited by the submitters: PubMed 36707629 (cited by Quest Diagnostics Nichols Institute San Juan Capistrano); PubMed 33471991 (cited by Quest Diagnostics Nichols Institute San Juan Capistrano).

NM_020937.4(FANCM):c.1735C>T (p.Arg579Cys)

Gene: FANCM (FA complementation group M; plus strand). Cytogenetic location: 14q21.2.
Variant type: single nucleotide variant.
Coding change: c.1735C>T on transcript NM_020937.4 (MANE Select); coding-DNA position 1735, C replaced by T.
Protein change: p.Arg579Cys; replaces arginine 579 with cysteine.
Molecular consequence: missense variant.
Genome position (GRCh38, 1-based): chr14:45,164,512, C>T. VCF-style: chr14-45164512-C-T. GRCh37 (hg19) VCF-style: chr14-45633715-C-T.
Other names: c.1735C>T (NM_020937.3); c.1657C>T, p.Arg553Cys (NM_001308133.2); c.1735C>T, p.Arg579Cys (NM_001308134.2); short protein forms R553C, R579C.
Identifiers: ClinVar variation 1042689 (VCV001042689.9), dbSNP rs149698772, ClinGen allele CA7169135.